The following is an entry in ClinVar:

NM_033305.3(VPS13A):c.3893A>G (p.Asn1298Ser)

Gene: VPS13A (vacuolar protein sorting 13 homolog A; plus strand). Cytogenetic location: 9q21.2.
Variant type: single nucleotide variant.
Coding change: c.3893A>G on transcript NM_033305.3 (MANE Select); coding-DNA position 3893, A replaced by G.
Protein change: p.Asn1298Ser; replaces asparagine 1298 with serine.
Molecular consequence: missense variant.
Genome position (GRCh38, 1-based): chr9:77,302,995, A>G. VCF-style: chr9-77302995-A-G. GRCh37 (hg19) VCF-style: chr9-79917911-A-G.
Other names: c.3776A>G, p.Asn1259Ser (NM_001018037.2); c.3893A>G, p.Asn1298Ser (NM_001018038.3, NM_015186.4); short protein forms N1298S, N1259S.
Identifiers: ClinVar variation 2170492 (VCV002170492.1), dbSNP rs905572753, ClinGen allele CA194397074.

ClinVar aggregate classification (germline): Uncertain significance (1 of 4 stars; one submission).

Allele frequency attached by ClinVar (database versions not stated): gnomAD exomes below 0.00001; TOPMed below 0.00001.
gnomAD v4.1: 1 of 1,614,046 alleles (0.000062%); highest among the groups gnomAD compares: Non-Finnish European, 0.000085%; no homozygotes.

Submission:

Labcorp Genetics (formerly Invitae), Labcorp
Classification: Uncertain significance. Last evaluated: 2022-06-08. Review status: criteria provided, single submitter. Criteria: Invitae Variant Classification Sherloc (09022015). Collection method: clinical testing. Allele origin: germline.
Comment: This sequence change replaces asparagine, which is neutral and polar, with serine, which is neutral and polar, at codon 1298 of the VPS13A protein (p.Asn1298Ser). This variant is not present in population databases (gnomAD no frequency). This variant has not been reported in the literature in individuals affected with VPS13A-related conditions. Algorithms developed to predict the effect of missense changes on protein structure and function are either unavailable or do not agree on the potential impact of this missense change (SIFT: "Deleterious"; PolyPhen-2: "Probably Damaging"; Align-GVGD: "Class C0"). In summary, the available evidence is currently insufficient to determine the role of this variant in disease. Therefore, it has been classified as a Variant of Uncertain Significance.